The following is an entry in ClinVar:

ClinVar aggregate classification (germline): Pathogenic/Likely pathogenic. Review status: criteria provided, multiple submitters, no conflicts (2 of 4 stars). 2 submissions from 2 submitters: Pathogenic (1); Likely pathogenic (1). Last evaluated 2019-08-20.

Conditions:
TP63-Related Spectrum Disorders.

Submissions (2):

Labcorp Genetics (formerly Invitae), Labcorp
Classification: Pathogenic. Last evaluated: 2019-08-20. Review status: criteria provided, single submitter. Criteria: Invitae Variant Classification Sherloc (09022015). Collection method: clinical testing. Allele origin: germline.
Comment: Algorithms developed to predict the effect of missense changes on protein structure and function (SIFT, PolyPhen-2, Align-GVGD) all suggest that this variant is likely to be disruptive, but these predictions have not been confirmed by published functional studies and their clinical significance is uncertain. This variant disrupts the p.Gly173 amino acid residue in TP63. Other variant(s) that disrupt this residue have been determined to be pathogenic (PMID: 21990121, 23463580). This suggests that this residue is clinically significant, and that variants that disrupt this residue are likely to be disease-causing. For these reasons, this variant has been classified as Pathogenic. This variant has been observed to segregate with TP63-related disorders in a family (Invitae). ClinVar contains an entry for this variant (Variation ID: 383835). This sequence change replaces glycine with arginine at codon 173 of the TP63 protein (p.Gly173Arg). The glycine residue is highly conserved and there is a moderate physicochemical difference between glycine and arginine. This variant is not present in population databases (ExAC no frequency).

GeneDx
Classification: Likely pathogenic. Last evaluated: 2016-03-04. Review status: criteria provided, single submitter. Criteria: GeneDx Variant Classification (06012015). Collection method: clinical testing. Allele origin: germline. Affected: yes.
Comment: The G173R variant in the TP63 gene has not been reported previously as a pathogenic variant, nor as a benign variant, to our knowledge. The G173R variant was not observed in approximately 6500 individuals of European and African American ancestry in the NHLBI Exome Sequencing Project, indicating it is not a common benign variant in these populations. The G173R variant is a non-conservative amino acid substitution, which occurs at a position that is conserved across species. In silico analysis predicts this variant is probably damaging to the protein structure/function. Other missense variants in the same residue (G173D, G173V) have been reported in the Human Gene Mutation Database in association with TP63-related disorders (Stenson et al., 2014), supporting the functional importance of this region of the protein. The G173R variant is a strong candidate for a pathogenic variant, however the possibility it may be a rare benign variant cannot be excluded.

Literature cited by the submitters: PubMed 21990121 (cited by Labcorp Genetics (formerly Invitae), Labcorp); PubMed 23463580 (cited by Labcorp Genetics (formerly Invitae), Labcorp).

NM_003722.5(TP63):c.517G>C (p.Gly173Arg)

Gene: TP63 (tumor protein p63; plus strand). Cytogenetic location: 3q28.
Variant type: single nucleotide variant.
Coding change: c.517G>C on transcript NM_003722.5 (MANE Select); coding-DNA position 517, G replaced by C.
Protein change: p.Gly173Arg; replaces glycine 173 with arginine.
Molecular consequence: missense variant. On other transcripts: intron variant (2).
Genome position (GRCh38, 1-based): chr3:189,808,464, G>C. VCF-style: chr3-189808464-G-C. GRCh37 (hg19) VCF-style: chr3-189526253-G-C.
Other names: c.517G>C, p.Gly173Arg (NM_001114978.2, NM_001114979.2, NM_001329144.2 and 1 more transcripts); c.235G>C, p.Gly79Arg (NM_001114980.2, NM_001114981.2, NM_001114982.2 and 2 more transcripts); c.511G>C, p.Gly171Arg (NM_001329964.2); c.42+18622G>C (NM_001329146.2, NM_001329150.2); short protein forms G173R, G171R, G79R.
Identifiers: ClinVar variation 383835 (VCV000383835.7), dbSNP rs1057521750, ClinGen allele CA16604496.